The following is an entry in ClinVar:

NM_005901.6(SMAD2):c.650T>A (p.Ile217Asn)

Gene: SMAD2 (SMAD family member 2; minus strand). Cytogenetic location: 18q21.1.
Variant type: single nucleotide variant.
Coding change: c.650T>A on transcript NM_005901.6 (MANE Select); coding-DNA position 650, T replaced by A.
Protein change: p.Ile217Asn; replaces isoleucine 217 with asparagine.
Molecular consequence: missense variant.
Genome position (GRCh38, 1-based): chr18:47,868,328, A>T on the plus strand (T>A on the coding strand, the complement: SMAD2 is on the minus strand). VCF-style: chr18-47868328-A-T. GRCh37 (hg19) VCF-style: chr18-45394699-A-T.
Other names: c.650T>A, p.Ile217Asn (NM_001003652.4); c.560T>A, p.Ile187Asn (NM_001135937.3); short protein forms I217N, I187N.
Identifiers: ClinVar variation 4746881 (VCV004746881.1).

ClinVar aggregate classification (germline): Uncertain significance (1 of 4 stars; one submission).

Submission:

Labcorp Genetics (formerly Invitae), Labcorp
Classification: Uncertain significance. Last evaluated: 2025-03-31. Review status: criteria provided, single submitter. Criteria: Invitae Variant Classification Sherloc (09022015). Collection method: clinical testing. Allele origin: germline.
Comment: This sequence change replaces isoleucine, which is neutral and non-polar, with asparagine, which is neutral and polar, at codon 217 of the SMAD2 protein (p.Ile217Asn). This variant is not present in population databases (gnomAD no frequency). This variant has not been reported in the literature in individuals affected with SMAD2-related conditions. Invitae Evidence Modeling of protein sequence and biophysical properties (such as structural, functional, and spatial information, amino acid conservation, physicochemical variation, residue mobility, and thermodynamic stability) indicates that this missense variant is not expected to disrupt SMAD2 protein function with a negative predictive value of 80%. In summary, the available evidence is currently insufficient to determine the role of this variant in disease. Therefore, it has been classified as a Variant of Uncertain Significance.